The following is an entry in ClinVar:

NM_001365951.3(KIF1B):c.1345A>G (p.Ser449Gly)

Gene: KIF1B (kinesin family member 1B; plus strand). Cytogenetic location: 1p36.22.
Variant type: single nucleotide variant.
Coding change: c.1345A>G on transcript NM_001365951.3 (MANE Select); coding-DNA position 1345, A replaced by G.
Protein change: p.Ser449Gly; replaces serine 449 with glycine.
Molecular consequence: missense variant.
Genome position (GRCh38, 1-based): chr1:10,282,444, A>G. VCF-style: chr1-10282444-A-G. GRCh37 (hg19) VCF-style: chr1-10342502-A-G.
Other names: c.1345A>G, p.Ser449Gly (NM_001365952.1); c.1207A>G, p.Ser403Gly (NM_001365953.1, NM_015074.3, NM_183416.4); short protein forms S403G, S449G.
Identifiers: ClinVar variation 1749028 (VCV001749028.6), dbSNP rs544551317, ClinGen allele CA580941.

ClinVar aggregate classification (germline): Uncertain significance. Review status: criteria provided, multiple submitters, no conflicts (2 of 4 stars). 2 submissions from 2 submitters: Uncertain significance (2). Last evaluated 2024-08-22.

Conditions:
Charcot-Marie-Tooth disease type 2. Also called: Charcot-Marie-Tooth type 2. Identifiers: Orphanet 64746, MedGen C0270914, MONDO:0018993.

Allele frequency attached by ClinVar (database versions not stated): gnomAD exomes below 0.00001; ExAC 0.00001; 1000 Genomes Project 30x 0.00031; gnomAD 0.00001; 1000 Genomes Project 0.00020; TOPMed 0.00003.
gnomAD v4.1: 3 of 1,614,186 alleles (0.00019%); highest among the groups gnomAD compares: African/African-American, 0.0027%; no homozygotes.

Submissions (2):

Ambry Genetics
Classification: Uncertain significance. Last evaluated: 2024-08-22. Review status: criteria provided, single submitter. Criteria: Ambry Variant Classification Scheme 2023. Collection method: clinical testing. Allele origin: germline.
Comment: The p.S403G variant (also known as c.1207A>G), located in coding exon 12 of the KIF1B gene, results from an A to G substitution at nucleotide position 1207. The serine at codon 403 is replaced by glycine, an amino acid with similar properties. This amino acid position is conserved. In addition, this alteration is predicted to be tolerated by in silico analysis. Since supporting evidence is limited at this time, the clinical significance of this alteration remains unclear.

Labcorp Genetics (formerly Invitae), Labcorp
Classification: Uncertain significance for Charcot-Marie-Tooth disease type 2. Last evaluated: 2024-03-21. Review status: criteria provided, single submitter. Criteria: Invitae Variant Classification Sherloc (09022015). Collection method: clinical testing. Allele origin: germline.
Comment: This sequence change replaces serine, which is neutral and polar, with glycine, which is neutral and non-polar, at codon 403 of the KIF1B protein (p.Ser403Gly). This variant is present in population databases (rs544551317, gnomAD 0.007%). This variant has not been reported in the literature in individuals affected with KIF1B-related conditions. ClinVar contains an entry for this variant (Variation ID: 1749028). Advanced modeling of protein sequence and biophysical properties (such as structural, functional, and spatial information, amino acid conservation, physicochemical variation, residue mobility, and thermodynamic stability) performed at Invitae indicates that this missense variant is not expected to disrupt KIF1B protein function with a negative predictive value of 80%. In summary, the available evidence is currently insufficient to determine the role of this variant in disease. Therefore, it has been classified as a Variant of Uncertain Significance.